The following is an entry in ClinVar:

NM_018060.4(IARS2):c.1942_1945dup (p.Lys649delinsIleTer)

Gene: IARS2 (isoleucyl-tRNA synthetase 2, mitochondrial; plus strand). Cytogenetic location: 1q41.
Variant type: Microsatellite.
Coding change: c.1942_1945dup on transcript NM_018060.4 (MANE Select); coding-DNA positions 1942 to 1945, 4 bases duplicated (TATA; older notation c.1942_1945dupTATA).
Protein change: p.Lys649delinsIleTer.
Molecular consequence: nonsense.
Genome position (GRCh38, 1-based): chr1:220,134,506-220,134,509, TATA duplicated. VCF-style (leftmost placement, unchanged base first): chr1-220134505-T-TTATA. GRCh37 (hg19) VCF-style: chr1-220307847-T-TTATA.
Other names: c.1942_1945dupTATA (NM_018060.4).
Identifiers: ClinVar variation 1393654 (VCV001393654.7), dbSNP rs2102837157, ClinGen allele CA2574135457.

ClinVar aggregate classification (germline): Pathogenic/Likely pathogenic. Review status: criteria provided, multiple submitters, no conflicts (2 of 4 stars). 2 submissions from 2 submitters: Pathogenic (1); Likely pathogenic (1). Last evaluated 2025-01-11.

Conditions:
Cataract-growth hormone deficiency-sensory neuropathy-sensorineural hearing loss-skeletal dysplasia syndrome. Also called: Cataracts, growth hormone deficiency, sensory neuropathy, sensorineural hearing loss, and skeletal dysplasia. Identifiers: Orphanet 436174, MedGen C4014942, MONDO:0014455, OMIM 616007.

Submissions (2):

First Genomix Gene Laboratory, Genetic Diagnostics Department
Classification: Likely pathogenic for Cataract-growth hormone deficiency-sensory neuropathy-sensorineural hearing loss-skeletal dysplasia syndrome. Last evaluated: 2025-01-11. Review status: criteria provided, single submitter. Criteria: ACMG Guidelines, 2015. Collection method: clinical testing. Allele origin: germline. Inheritance: Autosomal recessive inheritance. Affected: no. Observed: 1 variant allele.

Labcorp Genetics (formerly Invitae), Labcorp
Classification: Pathogenic. Last evaluated: 2022-09-19. Review status: criteria provided, single submitter. Criteria: Invitae Variant Classification Sherloc (09022015). Collection method: clinical testing. Allele origin: germline.
Comment: This sequence change creates a premature translational stop signal (p.Lys649Ilefs*2) in the IARS2 gene. It is expected to result in an absent or disrupted protein product. Loss-of-function variants in IARS2 are known to be pathogenic (PMID: 33327715). This variant is not present in population databases (gnomAD no frequency). This variant has not been reported in the literature in individuals affected with IARS2-related conditions. For these reasons, this variant has been classified as Pathogenic.

Literature cited by the submitters: PubMed 33327715 (cited by Labcorp Genetics (formerly Invitae), Labcorp).